The following is an entry in ClinVar:

NM_018943.3(TUBA8):c.66G>A (p.Glu22=)

Gene: TUBA8 (tubulin alpha 8; plus strand). Cytogenetic location: 22q11.21.
Variant type: single nucleotide variant.
Coding change: c.66G>A on transcript NM_018943.3 (MANE Select); coding-DNA position 66, G replaced by A.
Protein change: p.Glu22=; no amino-acid change (glutamic acid 22 retained).
Molecular consequence: synonymous variant. On other transcripts: 5 prime UTR variant (1).
Genome position (GRCh38, 1-based): chr22:18,121,541, G>A. VCF-style: chr22-18121541-G-A. GRCh37 (hg19) VCF-style: chr22-18604308-G-A.
Other names: p.Glu22=; c.-133G>A (NM_001193414.2).
Identifiers: ClinVar variation 4684445 (VCV004684445.1).

ClinVar aggregate classification (germline): Likely benign (1 of 4 stars; one submission).

gnomAD v4.1: 5 of 1,614,112 alleles (0.00031%); highest among the groups gnomAD compares: African/African-American, 0.0053%; no homozygotes.

Submission:

Mayo Clinic Laboratories, Mayo Clinic
Classification: Likely benign. Last evaluated: 2024-12-30. Review status: criteria provided, single submitter. Criteria: ACMG Guidelines, 2015. Collection method: clinical testing. Allele origin: germline. Observed: 1 variant allele.
Comment: BP4, BP7